The following is an entry in ClinVar:

ClinVar aggregate classification (germline): Benign/Likely benign. Review status: criteria provided, multiple submitters, no conflicts (2 of 4 stars). 9 submissions from 9 submitters: Benign (1); Likely benign (5). 3 of the submissions do not count toward it. Last evaluated 2026-01-17.

Conditions:
Joubert syndrome. Also called: Familial aplasia of the vermis; JOUBERT-BOLTSHAUSER SYNDROME. Identifiers: Orphanet 475, MedGen C5979921, MONDO:0018772.
Joubert syndrome 3 (JBTS3). Also called: AHI1-related Ciliopathy. Identifiers: Orphanet 220493, MedGen C1837713, MONDO:0012078, OMIM 608629.
Intellectual disability. Also called: intellectual disabilities; Intellectual developmental disorder; Intellectual functioning disability. Identifiers: MedGen C3714756, MeSH D008607, MONDO:0001071, HP:0001249.

Allele frequency attached by ClinVar (database versions not stated): gnomAD exomes 0.00014 and 0.00048; ExAC 0.00055; ESP Exome Variant Server 0.00117; gnomAD 0.00144 and 0.00159; TOPMed 0.00172; 1000 Genomes Project 0.00240; 1000 Genomes Project 30x 0.00250.
gnomAD v4.1: 442 of 1,611,784 alleles (0.027%); highest among the groups gnomAD compares: African/African-American, 0.47%; no homozygotes.

Submissions (9):

Labcorp Genetics (formerly Invitae), Labcorp
Classification: Likely benign for Joubert syndrome. Last evaluated: 2026-01-17. Review status: criteria provided, single submitter. Criteria: Invitae Variant Classification Sherloc (09022015). Collection method: clinical testing. Allele origin: germline.

Blueprint Genetics
Classification: Likely benign. Last evaluated: 2024-10-22. Review status: criteria provided, single submitter. Criteria: ACMG Guidelines, 2015. Collection method: clinical testing. Allele origin: germline.

GeneDx
Classification: Likely benign. Last evaluated: 2021-01-19. Review status: criteria provided, single submitter. Criteria: GeneDx Variant Classification Process June 2021. Collection method: clinical testing. Allele origin: germline. Affected: yes.

Illumina Laboratory Services, Illumina
Classification: Likely benign for Joubert syndrome 3. Last evaluated: 2017-04-27. Review status: criteria provided, single submitter. Criteria: ICSL Variant Classification Criteria 13 December 2019. Collection method: clinical testing. Allele origin: germline.
Comment: This variant was observed as part of a predisposition screen in an ostensibly healthy population. A literature search was performed for the gene, cDNA change, and amino acid change (where applicable). No publications were found based on this search. Allele frequency data from public databases allowed determination this variant is unlikely to cause disease. Therefore, this variant is classified as likely benign.

Eurofins Ntd Llc (ga)
Classification: Likely benign. Last evaluated: 2015-04-01. Review status: criteria provided, single submitter. Criteria: EGL Classification Definitions 2015. Collection method: clinical testing. Allele origin: germline. Observed: 1 variant allele, 1 heterozygote.

PreventionGenetics, part of Exact Sciences
Classification: Benign. Review status: criteria provided, single submitter. Criteria: ACMG Guidelines, 2015. Collection method: clinical testing. Allele origin: germline.

Centre de Biologie Pathologie Génétique, Centre Hospitalier Universitaire de Lille
Classification: Likely benign for Intellectual disability. Last evaluated: 2019-01-01. Review status: no assertion criteria provided. Collection method: clinical testing. Allele origin: inherited. Affected: yes. Not counted in ClinVar's aggregate classification.

Clinical Genetics DNA and cytogenetics Diagnostics Lab, Erasmus MC, Erasmus Medical Center
Classification: Likely benign. Review status: no assertion criteria provided. Collection method: clinical testing. Allele origin: germline. Affected: yes. Study: VKGL Data-share Consensus. Not counted in ClinVar's aggregate classification.

Clinical Genetics, Academic Medical Center
Classification: Benign. Review status: no assertion criteria provided. Collection method: clinical testing. Allele origin: germline. Affected: yes. Study: VKGL Data-share Consensus. Not counted in ClinVar's aggregate classification.

NM_001134831.2(AHI1):c.3164C>T (p.Thr1055Met)

Gene: AHI1 (Abelson helper integration site 1; minus strand). Cytogenetic location: 6q23.3.
Variant type: single nucleotide variant.
Coding change: c.3164C>T on transcript NM_001134831.2 (MANE Select); coding-DNA position 3164, C replaced by T.
Protein change: p.Thr1055Met; replaces threonine 1055 with methionine.
Molecular consequence: missense variant.
Genome position (GRCh38, 1-based): chr6:135,358,133, G>A on the plus strand (C>T on the coding strand, the complement: AHI1 is on the minus strand). VCF-style: chr6-135358133-G-A. GRCh37 (hg19) VCF-style: chr6-135679271-G-A.
Other names: c.3164C>T, p.Thr1055Met (NM_001134830.2, NM_001350503.2, NM_001350504.2 and 1 more transcripts); short protein forms T1055M.
Identifiers: ClinVar variation 195770 (VCV000195770.26), dbSNP rs73559947, ClinGen allele CA201933.